The following is an entry in ClinVar:

NM_201384.3(PLEC):c.10017G>A (p.Lys3339=)

Gene: PLEC (plectin; minus strand). Cytogenetic location: 8q24.3.
Variant type: single nucleotide variant.
Coding change: c.10017G>A on transcript NM_201384.3 (MANE Select); coding-DNA position 10017, G replaced by A.
Protein change: p.Lys3339=; no amino-acid change (lysine 3339 retained).
Molecular consequence: synonymous variant.
Genome position (GRCh38, 1-based): chr8:143,919,804, C>T on the plus strand (G>A on the coding strand, the complement: PLEC is on the minus strand). VCF-style: chr8-143919804-C-T. GRCh37 (hg19) VCF-style: chr8-144993972-C-T.
Other names: c.10098G>A, p.Lys3366= (NM_000445.5); c.9975G>A, p.Lys3325= (NM_201378.4); c.9951G>A, p.Lys3317= (NM_201379.3); c.10428G>A, p.Lys3476= (NM_201380.4); c.9921G>A, p.Lys3307= (NM_201381.3); c.10017G>A, p.Lys3339= (NM_201382.4); c.10029G>A, p.Lys3343= (NM_201383.3).
Identifiers: ClinVar variation 391776 (VCV000391776.1), dbSNP rs782539268, ClinGen allele CA16605440.
Genomic context (GRCh38, chr8:143,919,804, plus strand): 5'-GCCGGCGAGGCAGCCACTGCCCTGCAGCAGCGTCCGCACGGAGCCCAGCTCCGAAAGGTC[C>T]TTGACCGTCGTCTTGCCGTCCTTGAGCTGCTCAAACTGGGCTCTGCTGAGGACCCCGGAA-3'
Protein context (NP_958786.1, residues 3329-3349): EQLKDGKTTV[Lys3339=]DLSELGSVRT

ClinVar aggregate classification (germline): Likely benign (1 of 4 stars; one submission).

Allele frequency attached by ClinVar (database versions not stated): TOPMed 0.00002.
gnomAD v4.1: 8 of 1,612,918 alleles (0.0005%); highest among the groups gnomAD compares: Non-Finnish European, 0.00068%; no homozygotes.

Submission:

GeneDx
Classification: Likely benign. Last evaluated: 2016-12-16. Review status: criteria provided, single submitter. Criteria: GeneDx Variant Classification (06012015). Collection method: clinical testing. Allele origin: germline. Affected: yes.
Comment: This variant is considered likely benign or benign based on one or more of the following criteria: it is a conservative change, it occurs at a poorly conserved position in the protein, it is predicted to be benign by multiple in silico algorithms, and/or has population frequency not consistent with disease.